The following is an entry in ClinVar:

ClinVar aggregate classification (germline): Uncertain significance. Review status: criteria provided, multiple submitters, no conflicts (2 of 4 stars). 2 submissions from 2 submitters: Uncertain significance (2). Last evaluated 2025-03-11.

Conditions:
Cardiovascular phenotype. Identifiers: MedGen CN230736.

Submissions (2):

GeneDx
Classification: Uncertain significance. Last evaluated: 2025-03-11. Review status: criteria provided, single submitter. Criteria: GeneDx Variant Classification Process June 2021. Collection method: clinical testing. Allele origin: germline. Affected: yes.
Comment: Not observed at significant frequency in large population cohorts (gnomAD); In silico analysis indicates that this missense variant does not alter protein structure/function; Has not been previously published as pathogenic or benign to our knowledge

Ambry Genetics
Classification: Uncertain significance for Cardiovascular phenotype. Last evaluated: 2020-10-07. Review status: criteria provided, single submitter. Criteria: Ambry Variant Classification Scheme 2023. Collection method: clinical testing. Allele origin: germline.
Comment: The p.M121T variant (also known as c.362T>C), located in coding exon 1 of the KCNE2 gene, results from a T to C substitution at nucleotide position 362. The methionine at codon 121 is replaced by threonine, an amino acid with similar properties. This amino acid position is poorly conserved in available vertebrate species. In addition, this alteration is predicted to be tolerated by in silico analysis. Since supporting evidence is limited at this time, the clinical significance of this alteration remains unclear.

NM_172201.2(KCNE2):c.362T>C (p.Met121Thr)

Genes: KCNE2 (potassium voltage-gated channel subfamily E regulatory subunit 2; plus strand), LOC105372791 (uncharacterized LOC105372791; minus strand). Cytogenetic location: 21q22.11.
Variant type: single nucleotide variant.
Coding change: c.362T>C on transcript NM_172201.2 (MANE Select); coding-DNA position 362, T replaced by C.
Protein change: p.Met121Thr; replaces methionine 121 with threonine.
Molecular consequence: missense variant.
Genome position (GRCh38, 1-based): chr21:34,370,840, T>C. VCF-style: chr21-34370840-T-C. GRCh37 (hg19) VCF-style: chr21-35743139-T-C.
Other names: short protein forms M121T.
Identifiers: ClinVar variation 1733399 (VCV001733399.3), dbSNP rs786205807, ClinGen allele CA410197256.
Genomic context (GRCh38, chr21:34,370,840, plus strand): 5'-TGAATCTAGAAGAATCGAAGGCCACCATCCATGAGAACATTGGTGCGGCTGGGTTCAAAA[T>C]GTCCCCCTGATAAGGGAGAAAGGCACCAAGCTAACATCTGACGTCCAGACATGAAGAGAT-3'
Protein context (NP_751951.1, residues 111-123): HENIGAAGFK[Met121Thr]SP